The following is an entry in ClinVar:

NM_004525.3(LRP2):c.1858A>G (p.Thr620Ala)

Gene: LRP2 (LDL receptor related protein 2; minus strand). Cytogenetic location: 2q31.1.
Variant type: single nucleotide variant.
Coding change: c.1858A>G on transcript NM_004525.3 (MANE Select); coding-DNA position 1858, A replaced by G.
Protein change: p.Thr620Ala; replaces threonine 620 with alanine.
Molecular consequence: missense variant.
Genome position (GRCh38, 1-based): chr2:169,275,153, T>C on the plus strand (A>G on the coding strand, the complement: LRP2 is on the minus strand). VCF-style: chr2-169275153-T-C. GRCh37 (hg19) VCF-style: chr2-170131663-T-C.
Other names: short protein forms T620A.
Identifiers: ClinVar variation 2013478 (VCV002013478.4), dbSNP rs1683518436, ClinGen allele CA349143639.

ClinVar aggregate classification (germline): Uncertain significance (1 of 4 stars; one submission).

Allele frequency attached by ClinVar (database versions not stated): gnomAD exomes below 0.00001; gnomAD 0.00001.
gnomAD v4.1: 6 of 1,613,668 alleles (0.00037%); highest among the groups gnomAD compares: African/African-American, 0.0013%; no homozygotes.

Submission:

Labcorp Genetics (formerly Invitae), Labcorp
Classification: Uncertain significance. Last evaluated: 2022-07-05. Review status: criteria provided, single submitter. Criteria: Invitae Variant Classification Sherloc (09022015). Collection method: clinical testing. Allele origin: germline.
Comment: This sequence change replaces threonine, which is neutral and polar, with alanine, which is neutral and non-polar, at codon 620 of the LRP2 protein (p.Thr620Ala). In summary, the available evidence is currently insufficient to determine the role of this variant in disease. Therefore, it has been classified as a Variant of Uncertain Significance. Advanced modeling of protein sequence and biophysical properties (such as structural, functional, and spatial information, amino acid conservation, physicochemical variation, residue mobility, and thermodynamic stability) performed at Invitae indicates that this missense variant is expected to disrupt LRP2 protein function. This variant has not been reported in the literature in individuals affected with LRP2-related conditions. This variant is not present in population databases (gnomAD no frequency).